The following is an entry in ClinVar:

NM_000426.4(LAMA2):c.2239G>A (p.Gly747Ser)

Gene: LAMA2 (laminin subunit alpha 2; plus strand). Cytogenetic location: 6q22.33.
Variant type: single nucleotide variant.
Coding change: c.2239G>A on transcript NM_000426.4 (MANE Select); coding-DNA position 2239, G replaced by A.
Protein change: p.Gly747Ser; replaces glycine 747 with serine.
Molecular consequence: missense variant.
Genome position (GRCh38, 1-based): chr6:129,267,136, G>A. VCF-style: chr6-129267136-G-A. GRCh37 (hg19) VCF-style: chr6-129588281-G-A.
Other names: c.2239G>A, p.Gly747Ser (NM_001079823.2); c.2239G>A (NM_000426.3); short protein forms G747S.
Identifiers: ClinVar variation 1448886 (VCV001448886.7), dbSNP rs145940188, ClinGen allele CA146879448.
Genomic context (GRCh38, chr6:129,267,136, plus strand): 5'-AGACTGACTAAAGCCTTATCTTTCTCTCAGTCTTGTTGGCCTAGGCACAGGCGAGTTAAC[G>A]GCACTATTTTTGGTGGCATCTGTGAGCCATGTCAGTGCTTTGGTCATGCGGAGTCCTGTG-3'
Protein context (NP_000417.3, residues 737-757): SCWPRHRRVN[Gly747Ser]TIFGGICEPC

ClinVar aggregate classification (germline): Uncertain significance. Review status: criteria provided, multiple submitters, no conflicts (2 of 4 stars). 2 submissions from 2 submitters: Uncertain significance (2). Last evaluated 2022-06-27.

Conditions:
LAMA2-related muscular dystrophy (LAMA2-RD). Also called: Laminin alpha 2-related dystrophy. Identifiers: MedGen C5679788, MONDO:0100228.

Allele frequency attached by ClinVar (database versions not stated): gnomAD exomes below 0.00001; gnomAD 0.00002; ESP Exome Variant Server 0.00015.
gnomAD v4.1: 18 of 1,612,924 alleles (0.0011%); highest among the groups gnomAD compares: East Asian, 0.0022%; no homozygotes.

Submissions (2):

Labcorp Genetics (formerly Invitae), Labcorp
Classification: Uncertain significance for LAMA2-related muscular dystrophy. Last evaluated: 2022-06-27. Review status: criteria provided, single submitter. Criteria: Invitae Variant Classification Sherloc (09022015). Collection method: clinical testing. Allele origin: germline.
Comment: This sequence change replaces glycine, which is neutral and non-polar, with serine, which is neutral and polar, at codon 747 of the LAMA2 protein (p.Gly747Ser). This variant is present in population databases (rs145940188, gnomAD 0.06%). This variant has not been reported in the literature in individuals affected with LAMA2-related conditions. Advanced modeling of protein sequence and biophysical properties (such as structural, functional, and spatial information, amino acid conservation, physicochemical variation, residue mobility, and thermodynamic stability) performed at Invitae indicates that this missense variant is not expected to disrupt LAMA2 protein function. In summary, the available evidence is currently insufficient to determine the role of this variant in disease. Therefore, it has been classified as a Variant of Uncertain Significance.

Revvity Omics, Revvity
Classification: Uncertain significance. Last evaluated: 2019-08-29. Review status: criteria provided, single submitter. Criteria: ACMG Guidelines, 2015. Collection method: clinical testing. Allele origin: germline.